The following is an entry in ClinVar:

ClinVar aggregate classification (germline): Likely pathogenic. Review status: criteria provided, multiple submitters, no conflicts (2 of 4 stars). 3 submissions from 3 submitters: Likely pathogenic (3). Last evaluated 2026-09-02.

Conditions:
Familial thoracic aortic aneurysm and aortic dissection (TAAD). Also called: Thoracic aortic aneurysms and dissections. Identifiers: Orphanet 91387, MedGen C4707243, MONDO:0019625.
Marfan syndrome (MFS). Also called: FBN1-Related Marfan Syndrome; Marfan syndrome type 1; Marfan's syndrome; Marfan syndrome, classic; MARFAN SYNDROME, TYPE I. Identifiers: Orphanet 284963, Orphanet 558, MedGen C0024796, MONDO:0007947, OMIM 154700.

Submissions (3):

GeneDx
Classification: Likely pathogenic. Last evaluated: 2026-09-02. Review status: criteria provided, single submitter. Criteria: GeneDx Variant Classification Process June 2021. Collection method: clinical testing. Allele origin: germline.
Comment: Observed in two individuals from a cohort of pediatric patients clinically diagnosed with Marfan syndrome according to the revised Ghent criteria; however specific clinical details were not provided (PMID: 32679894); Introduces a new cysteine residue within an EGF-like domain of the FBN1 gene, which may affect disulfide bonding and is predicted to alter the structure and function of the protein; cysteine substitutions in the EGF-like domains represent the majority of pathogenic missense changes associated with FBN1-related disorders (PMID: 12938084); Not observed at significant frequency in large population cohorts (gnomAD); In silico analysis supports that this missense variant has a deleterious effect on protein structure/function; This variant is associated with the following publications: (PMID: 10486319, 12938084, 32679894)

Labcorp Genetics (formerly Invitae), Labcorp
Classification: Likely pathogenic for Marfan syndrome; Familial thoracic aortic aneurysm and aortic dissection. Last evaluated: 2025-02-20. Review status: criteria provided, single submitter. Criteria: Invitae Variant Classification Sherloc (09022015). Collection method: clinical testing. Allele origin: germline.
Comment: This sequence change replaces tyrosine, which is neutral and polar, with cysteine, which is neutral and slightly polar, at codon 1670 of the FBN1 protein (p.Tyr1670Cys). This variant is not present in population databases (gnomAD no frequency). This missense change has been observed in individuals with Marfan syndrome (PMID: 32679894). ClinVar contains an entry for this variant (Variation ID: 618120). Invitae Evidence Modeling of protein sequence and biophysical properties (such as structural, functional, and spatial information, amino acid conservation, physicochemical variation, residue mobility, and thermodynamic stability) indicates that this missense variant is expected to disrupt FBN1 protein function with a positive predictive value of 95%. In summary, the currently available evidence indicates that the variant is pathogenic, but additional data are needed to prove that conclusively. Therefore, this variant has been classified as Likely Pathogenic.

ARUP Laboratories, Molecular Genetics and Genomics, ARUP Laboratories
Classification: Likely pathogenic. Last evaluated: 2018-02-07. Review status: criteria provided, single submitter. Criteria: ARUP Molecular Germline Variant Investigation Process. Collection method: clinical testing. Allele origin: germline.
Comment: The FBN1 c.5009A>G; p.Tyr1670Cys variant, to our knowledge, is not reported in the medical literature or in gene-specific databases. This variant is also absent from general population databases (1000 Genomes Project, Exome Variant Server, Genome Aggregation Database), indicating it is not a common polymorphism. This variant occurs in a highly conserved residue in one of the calcium binding EGF-like domains of fibrillin-1 (Wu 1995). Each EGF-like domain contains six conserved cysteines and the disulfide bridges formed between these residues are essential for protein folding; addition of a cysteine may interfere with proper disulfide bridge formation, disrupting protein structure. Accordingly, the revised Ghent nosology for Marfan syndrome lists the introduction of cysteine residues as one of the criteria for classification of a variant as pathogenic (Loeys 2010). Based on the above information, this variant is considered likely pathogenic. References: Loeys B et al. The revised Ghent nosology for the Marfan syndrome. J Med Genet. 2010 Jul;47(7):476-85. Wu et al. Fibrillin domain folding and calcium binding: significance to Marfan syndrome. Chem. Biol. 1995 2(2):91-7.

Literature cited by the submitters: PubMed 32679894 (cited by Labcorp Genetics (formerly Invitae), Labcorp).

NM_000138.5(FBN1):c.5009A>G (p.Tyr1670Cys)

Gene: FBN1 (fibrillin 1; minus strand). Cytogenetic location: 15q21.1.
Variant type: single nucleotide variant.
Coding change: c.5009A>G on transcript NM_000138.5 (MANE Select); coding-DNA position 5009, A replaced by G.
Protein change: p.Tyr1670Cys; replaces tyrosine 1670 with cysteine.
Molecular consequence: missense variant.
Genome position (GRCh38, 1-based): chr15:48,463,955, T>C on the plus strand (A>G on the coding strand, the complement: FBN1 is on the minus strand). VCF-style: chr15-48463955-T-C. GRCh37 (hg19) VCF-style: chr15-48756152-T-C.
Other names: short protein forms Y1670C.
Identifiers: ClinVar variation 618120 (VCV000618120.11), dbSNP rs1566903532, ClinGen allele CA392350001.
Genomic context (GRCh38, chr15:48,463,955, plus strand): 5'-TTACCCATGCAATTATTTCCCCCATTCACTTGCATGTAGTCTGGAGGACAGATACAGGTG[T>C]AGTTGCCAACGGTGTTGTAACATGTCCCTGGACCACAGATTCCAGGAGTCTCACATTCAT-3'
Protein context (NP_000129.3, residues 1660-1680): PGTCYNTVGN[Tyr1670Cys]TCICPPDYMQ